The following is an entry in ClinVar:

NM_001807.6(CEL):c.2145G>C (p.Pro715=)

Gene: CEL (carboxyl ester lipase; plus strand). Cytogenetic location: 9q34.13.
Variant type: single nucleotide variant.
Coding change: c.2145G>C on transcript NM_001807.6 (MANE Select); coding-DNA position 2145, G replaced by C.
Protein change: p.Pro715=; no amino-acid change (proline 715 retained).
Molecular consequence: synonymous variant.
Genome position (GRCh38, 1-based): chr9:133,071,647, G>C. VCF-style: chr9-133071647-G-C. GRCh37 (hg19) VCF-style: chr9-135947034-G-C.
Identifiers: ClinVar variation 1335746 (VCV001335746.37), dbSNP rs1309609124, ClinGen allele CA5303654.
Genomic context (GRCh38, chr9:133,071,647, plus strand): 5'-GGGTGACTCCGGGGCCCCCCCCGTGACCCCCACGGGTGACTCCGAGACCGCCCCCGTGCC[G>C]CCCACGGGTGACTCCGGGGCCCCCCCTGTGCCCCCCACGGGTGACTCTGAGGCTGCCCCT-3'
Protein context (NP_001798.3, residues 705-725): PTGDSETAPV[Pro715=]PTGDSGAPPV

ClinVar aggregate classification (germline): Likely benign. Review status: criteria provided, multiple submitters, no conflicts (2 of 4 stars). 3 submissions from 3 submitters: Likely benign (3). Last evaluated 2025-02-16.

Submissions (3):

Laboratory of Genetics, Children's Clinical University Hospital Latvia
Classification: Likely benign. Last evaluated: 2025-02-16. Review status: criteria provided, single submitter. Criteria: ACMG Guidelines, 2015. Collection method: clinical testing. Allele origin: germline. Affected: yes.

CeGaT Center for Human Genetics Tuebingen
Classification: Likely benign. Last evaluated: 2024-07-01. Review status: criteria provided, single submitter. Criteria: CeGaT Center For Human Genetics Tuebingen Variant Classification Criteria Version 2. Collection method: clinical testing. Allele origin: germline. Affected: yes. Observed: 2 variant alleles.
Comment: CEL: BP4, BP7

Breakthrough Genomics
Classification: Likely benign. Review status: criteria provided, single submitter. Criteria: ACMG Guidelines, 2015. Collection method: not provided. Allele origin: germline. Inheritance: Autosomal dominant inheritance. Affected: yes.